The following is an entry in ClinVar:

ClinVar aggregate classification (germline): Likely benign (0 of 4 stars; one submission).

Conditions:
ATP10A-related disorder. Also called: ATP10A-related condition.

Allele frequency attached by ClinVar (database versions not stated): ExAC 0.00029; 1000 Genomes Project 30x 0.00109; 1000 Genomes Project 0.00120; ESP Exome Variant Server 0.00177.
gnomAD v4.1: 275 of 1,612,590 alleles (0.017%); highest among the groups gnomAD compares: African/African-American, 0.3%; no homozygotes.

Submission:

PreventionGenetics, part of Exact Sciences
Classification: Likely benign for ATP10A-related condition. Last evaluated: 2019-08-08. Review status: no assertion criteria provided. Collection method: clinical testing. Allele origin: germline.
Comment: This variant is classified as likely benign based on ACMG/AMP sequence variant interpretation guidelines (Richards et al. 2015 PMID: 25741868, with internal and published modifications).

NM_024490.4(ATP10A):c.1491G>A (p.Gln497=)

Gene: ATP10A (ATPase phospholipid transporting 10A (putative); minus strand). Cytogenetic location: 15q12.
Variant type: single nucleotide variant.
Coding change: c.1491G>A on transcript NM_024490.4 (MANE Select); coding-DNA position 1491, G replaced by A.
Protein change: p.Gln497=; no amino-acid change (glutamine 497 retained).
Molecular consequence: synonymous variant.
Genome position (GRCh38, 1-based): chr15:25,718,272, C>T on the plus strand (G>A on the coding strand, the complement: ATP10A is on the minus strand). VCF-style: chr15-25718272-C-T. GRCh37 (hg19) VCF-style: chr15-25963419-C-T.
Identifiers: ClinVar variation 3035358 (VCV003035358.2), dbSNP rs75173347, ClinGen allele CA7436789.